The following is an entry in ClinVar:

NM_000479.5(AMH):c.35T>G (p.Val12Gly)

Genes: AMH (anti-Mullerian hormone; plus strand), LOC108783649 (AMH 5' regulatory region; plus strand). Cytogenetic location: 19p13.3.
Variant type: single nucleotide variant.
Coding change: c.35T>G on transcript NM_000479.5 (MANE Select); coding-DNA position 35, T replaced by G.
Protein change: p.Val12Gly; replaces valine 12 with glycine.
Molecular consequence: missense variant.
Genome position (GRCh38, 1-based): chr19:2,249,367, T>G. VCF-style: chr19-2249367-T-G. GRCh37 (hg19) VCF-style: chr19-2249366-T-G.
Other names: c.35T>G (NM_000479.4); short protein forms V12G.
Identifiers: ClinVar variation 381731 (VCV000381731.12), dbSNP rs149082963, ClinGen allele CA9062708.

ClinVar aggregate classification (germline): Uncertain significance. Review status: criteria provided, multiple submitters, no conflicts (2 of 4 stars). 5 submissions from 5 submitters: Uncertain significance (4). 1 of the submissions does not count toward it. Last evaluated 2026-04-22.

Conditions:
Differences in sex development.
AMH-related disorder. Also called: AMH-related condition.

Allele frequency attached by ClinVar (database versions not stated): gnomAD 0.00168 and 0.00176; ExAC 0.00299; 1000 Genomes Project 0.00100; gnomAD exomes 0.00139 and 0.00292; TOPMed 0.00172; ESP Exome Variant Server 0.00201; 1000 Genomes Project 30x 0.00109.
gnomAD v4.1: 4,411 of 1,582,944 alleles (0.28%); highest among the groups gnomAD compares: Non-Finnish European, 0.35%; 8 homozygotes.

Submissions (5):

NHS Central & South Genomic Laboratory Hub
Classification: Uncertain significance for Differences in sex development. Last evaluated: 2026-04-22. Review status: criteria provided, single submitter. Criteria: ACMG Guidelines, 2015. Collection method: clinical testing. Allele origin: germline. Affected: yes.

Labcorp Genetics (formerly Invitae), Labcorp
Classification: Uncertain significance. Last evaluated: 2026-01-19. Review status: criteria provided, single submitter. Criteria: Invitae Variant Classification Sherloc (09022015). Collection method: clinical testing. Allele origin: germline.
Comment: This sequence change replaces valine, which is neutral and non-polar, with glycine, which is neutral and non-polar, at codon 12 of the AMH protein (p.Val12Gly). This variant is present in population databases (rs149082963, gnomAD 0.3%), and has an allele count higher than expected for a pathogenic variant. This missense change has been observed in individual(s) with clinical features of persistent Müllerian Duct Syndrome (PMID: 8162013, 22188863). In at least one individual the data is consistent with being in trans (on the opposite chromosome) from a pathogenic variant. ClinVar contains an entry for this variant (Variation ID: 381731). Experimental studies and prediction algorithms are not available or were not evaluated, and the functional significance of this variant is currently unknown. Studies have shown that this missense change does not affect mRNA splicing (PMID: 37004205). In summary, the available evidence is currently insufficient to determine the role of this variant in disease. Therefore, it has been classified as a Variant of Uncertain Significance.

Blueprint Genetics
Classification: Uncertain significance. Last evaluated: 2024-11-15. Review status: criteria provided, single submitter. Criteria: ACMG Guidelines, 2015. Collection method: clinical testing. Allele origin: germline.

GeneDx
Classification: Uncertain significance. Last evaluated: 2024-10-14. Review status: criteria provided, single submitter. Criteria: GeneDx Variant Classification Process June 2021. Collection method: clinical testing. Allele origin: germline. Affected: yes.
Comment: Reported in the heterozygous state in female patients with polycystic ovary syndrome or with premature ovarian insufficiency in published literature, but familial segregation information and additional clinical information were not included (PMID: 28505284, 36099812); Published functional studies suggest a damaging effect with reduced AMH signaling activity (PMID: 28505284); In silico analysis indicates that this missense variant does not alter protein structure/function; This variant is associated with the following publications: (PMID: 9302384, 23611722, 34426522, 30786001, 37004205, 28505284, 28528332, 8162013, 22188863, 36099812, 30668521)

PreventionGenetics, part of Exact Sciences
Classification: Uncertain significance for AMH-related condition. Last evaluated: 2024-03-26. Review status: no assertion criteria provided. Collection method: clinical testing. Allele origin: germline. Not counted in ClinVar's aggregate classification.
Comment: The AMH c.35T>G variant is predicted to result in the amino acid substitution p.Val12Gly. This variant has been reported in the compound heterozygous and homozygous states in two families with male individuals affected with persistent Mullerian duct syndrome (Imbeaud et al. 1994. PubMed ID: 8162013; Mazen et al. 2011. PubMed ID: 22188863). This variant has also been reported in the heterozygous state in female individuals with polycystic ovary syndrome (Gorsic et al. 2017. PubMed ID: 28505284). Functional studies have conflicting results on the impact of this variant; a dual luciferase reporter assay showed significantly reduced AMH signaling (Gorsic et al. 2017. PubMed ID: 28505284), while another luciferase reporter assay showed comparable bioactivity to wildtype (Meng et al. 2023, PubMedID: 37004205). This variant is present in 0.35% of alleles in individuals of European (Non-Finnish) descent (as displayed in the table above). However, in gnomAD v4 (available only on GRCh38) 8 homozygotes are documented, which is higher than expected for this disorder. At this time, the clinical significance of this variant is uncertain due to the absence of conclusive functional and genetic evidence.

Literature cited by the submitters: PubMed 8162013 (cited by Labcorp Genetics (formerly Invitae), Labcorp); PubMed 22188863 (cited by Labcorp Genetics (formerly Invitae), Labcorp); PubMed 37004205 (cited by Labcorp Genetics (formerly Invitae), Labcorp).